The following is an entry in ClinVar:

ClinVar aggregate classification (germline): Likely pathogenic (1 of 4 stars; one submission).

Conditions:
Angelman syndrome-like. Identifiers: MedGen CN128785.
Developmental and epileptic encephalopathy, 2 (DEE2). Also called: INFANTILE SPASM SYNDROME, X-LINKED 2; CDKL5 deficiency disorder. Identifiers: Orphanet 1934, Orphanet 3451, Orphanet 505652, MedGen C4750718, MONDO:0010396, OMIM 300672.

Submission:

Labcorp Genetics (formerly Invitae), Labcorp
Classification: Likely pathogenic for Developmental and epileptic encephalopathy, 2; Angelman syndrome-like. Last evaluated: 2021-12-02. Review status: criteria provided, single submitter. Criteria: Invitae Variant Classification Sherloc (09022015). Collection method: clinical testing. Allele origin: germline.
Comment: This variant has not been reported in the literature in individuals affected with CDKL5-related conditions. In summary, the currently available evidence indicates that the variant is pathogenic, but additional data are needed to prove that conclusively. Therefore, this variant has been classified as Likely Pathogenic. This variant results in a copy number gain of the genomic region encompassing exon(s) 4-14 of the CDKL5 gene. While the exact position of this variant cannot be determined from the data, sub-genic copy number gains are generally in tandem (PMID: 25640679). This variant is predicted to be out-of-frame, and may result in an absent or disrupted protein product. Loss-of-function variants in CDKL5 are known to be pathogenic (PMID: 22872100).

Literature cited by the submitters: PubMed 25640679; PubMed 22872100.

NC_000023.10:g.(?_18582577)_(18627710_?)dup

Gene: CDKL5 (cyclin dependent kinase like 5; plus strand). Cytogenetic location: Xp22.13.
Variant type: Duplication.
Identifiers: ClinVar variation 1508838 (VCV001508838.7).